The following is an entry in ClinVar:

ClinVar aggregate classification (germline): Benign/Likely benign. Review status: criteria provided, multiple submitters, no conflicts (2 of 4 stars). 3 submissions from 3 submitters: Benign (1); Likely benign (2). Last evaluated 2025-12-24.

Allele frequency attached by ClinVar (database versions not stated): gnomAD exomes 0.00016; ESP Exome Variant Server 0.00123; 1000 Genomes Project 0.00140; 1000 Genomes Project 30x 0.00141.
gnomAD v4.1: 431 of 1,535,388 alleles (0.028%); highest among the groups gnomAD compares: African/African-American, 0.47%; 2 homozygotes.

Submissions (3):

Labcorp Genetics (formerly Invitae), Labcorp
Classification: Benign. Last evaluated: 2025-12-24. Review status: criteria provided, single submitter. Criteria: Invitae Variant Classification Sherloc (09022015). Collection method: clinical testing. Allele origin: germline.

CeGaT Center for Human Genetics Tuebingen
Classification: Likely benign. Last evaluated: 2024-10-01. Review status: criteria provided, single submitter. Criteria: CeGaT Center For Human Genetics Tuebingen Variant Classification Criteria Version 2. Collection method: clinical testing. Allele origin: germline. Affected: yes. Observed: 1 variant allele.
Comment: KANK2: BP4, BP7

Blueprint Genetics
Classification: Likely benign. Last evaluated: 2024-05-21. Review status: criteria provided, single submitter. Criteria: ACMG Guidelines, 2015. Collection method: clinical testing. Allele origin: germline.

NM_001136191.3(KANK2):c.1269C>T (p.Ala423=)

Gene: KANK2 (KN motif and ankyrin repeat domains 2; minus strand). Cytogenetic location: 19p13.2.
Variant type: single nucleotide variant.
Coding change: c.1269C>T on transcript NM_001136191.3 (MANE Select); coding-DNA position 1269, C replaced by T.
Protein change: p.Ala423=; no amino-acid change (alanine 423 retained).
Molecular consequence: synonymous variant.
Genome position (GRCh38, 1-based): chr19:11,178,701, G>A on the plus strand (C>T on the coding strand, the complement: KANK2 is on the minus strand). VCF-style: chr19-11178701-G-A. GRCh37 (hg19) VCF-style: chr19-11289377-G-A.
Other names: c.1269C>T, p.Ala423= (NM_001329451.2, NM_001379548.1, NM_001379549.1 and 15 more transcripts).
Identifiers: ClinVar variation 1590636 (VCV001590636.23), dbSNP rs146873665, ClinGen allele CA9205747.